The following is an entry in ClinVar:

ClinVar aggregate classification (germline): Likely benign. Review status: criteria provided, single submitter (1 of 4 stars). 2 submissions from 2 submitters: Likely benign (1). 1 of the submissions does not count toward it. Last evaluated 2025-12-17.

Conditions:
PLXNA2-related disorder. Also called: PLXNA2-related condition.

Allele frequency attached by ClinVar (database versions not stated): gnomAD exomes 0.00004; ExAC 0.00016; ESP Exome Variant Server 0.00031; gnomAD 0.00043; TOPMed 0.00045; 1000 Genomes Project 30x 0.00047; 1000 Genomes Project 0.00060.
gnomAD v4.1: 124 of 1,614,168 alleles (0.0077%); highest among the groups gnomAD compares: African/African-American, 0.12%; no homozygotes.

Submissions (2):

Labcorp Genetics (formerly Invitae), Labcorp
Classification: Likely benign. Last evaluated: 2025-12-17. Review status: criteria provided, single submitter. Criteria: Invitae Variant Classification Sherloc (09022015). Collection method: clinical testing. Allele origin: germline.

PreventionGenetics, part of Exact Sciences
Classification: Likely benign for PLXNA2-related condition. Last evaluated: 2021-05-25. Review status: no assertion criteria provided. Collection method: clinical testing. Allele origin: germline. Not counted in ClinVar's aggregate classification.
Comment: This variant is classified as likely benign based on ACMG/AMP sequence variant interpretation guidelines (Richards et al. 2015 PMID: 25741868, with internal and published modifications).

NM_025179.4(PLXNA2):c.4980C>T (p.His1660=)

Gene: PLXNA2 (plexin A2; minus strand). Cytogenetic location: 1q32.2.
Variant type: single nucleotide variant.
Coding change: c.4980C>T on transcript NM_025179.4 (MANE Select); coding-DNA position 4980, C replaced by T.
Protein change: p.His1660=; no amino-acid change (histidine 1660 retained).
Molecular consequence: synonymous variant.
Genome position (GRCh38, 1-based): chr1:208,033,394, G>A on the plus strand (C>T on the coding strand, the complement: PLXNA2 is on the minus strand). VCF-style: chr1-208033394-G-A. GRCh37 (hg19) VCF-style: chr1-208206739-G-A.
Other names: c.4980C>T (NM_025179.3).
Identifiers: ClinVar variation 2166907 (VCV002166907.6), dbSNP rs144221769, ClinGen allele CA1372701.